The following is an entry in ClinVar:

ClinVar aggregate classification (germline): Uncertain significance (1 of 4 stars; one submission).

Conditions:
Emery-Dreifuss muscular dystrophy 5, autosomal dominant (EDMD5). Also called: EMERY-DREIFUSS MUSCULAR DYSTROPHY 5. Identifiers: Orphanet 261, MedGen C2751805, MONDO:0013072, OMIM 612999.

Allele frequency attached by ClinVar (database versions not stated): gnomAD exomes below 0.00001; ExAC 0.00002; TOPMed 0.00005; gnomAD 0.00007; ESP Exome Variant Server 0.00008.
gnomAD v4.1: 11 of 1,614,064 alleles (0.00068%); highest among the groups gnomAD compares: African/African-American, 0.015%; no homozygotes.

Submission:

Labcorp Genetics (formerly Invitae), Labcorp
Classification: Uncertain significance for Emery-Dreifuss muscular dystrophy 5, autosomal dominant. Last evaluated: 2024-07-03. Review status: criteria provided, single submitter. Criteria: Invitae Variant Classification Sherloc (09022015). Collection method: clinical testing. Allele origin: germline.
Comment: This sequence change replaces cysteine, which is neutral and slightly polar, with serine, which is neutral and polar, at codon 4613 of the SYNE2 protein (p.Cys4613Ser). This variant is present in population databases (rs377355137, gnomAD 0.02%). This variant has not been reported in the literature in individuals affected with SYNE2-related conditions. Algorithms developed to predict the effect of missense changes on protein structure and function output the following: SIFT: "Not Available"; PolyPhen-2: "Benign"; Align-GVGD: "Not Available". The serine amino acid residue is found in multiple mammalian species, which suggests that this missense change does not adversely affect protein function. In summary, the available evidence is currently insufficient to determine the role of this variant in disease. Therefore, it has been classified as a Variant of Uncertain Significance.

NM_182914.3(SYNE2):c.13838G>C (p.Cys4613Ser)

Gene: SYNE2 (spectrin repeat containing nuclear envelope protein 2; plus strand). Cytogenetic location: 14q23.2.
Variant type: single nucleotide variant.
Coding change: c.13838G>C on transcript NM_182914.3 (MANE Select); coding-DNA position 13838, G replaced by C.
Protein change: p.Cys4613Ser; replaces cysteine 4613 with serine.
Molecular consequence: missense variant.
Genome position (GRCh38, 1-based): chr14:64,126,728, G>C. VCF-style: chr14-64126728-G-C. GRCh37 (hg19) VCF-style: chr14-64593446-G-C.
Other names: c.13838G>C, p.Cys4613Ser (NM_015180.6); short protein forms C4613S.
Identifiers: ClinVar variation 2750120 (VCV002750120.3), dbSNP rs377355137, ClinGen allele CA7222583.
Genomic context (GRCh38, chr14:64,126,728, plus strand): 5'-TGACTTGGCCTGGCGAGAACACCAACTTGCTCCTTGAATGTTTTGACAACCTTCAAGTCT[G>C]CCTGGAGCACACTCAGGCTGCAGCTGTCTGTAGAAGCAAGTCCCTGAAAGCTGGCCTCGA-3'
Protein context (NP_878918.2, residues 4603-4623): LLECFDNLQV[Cys4613Ser]LEHTQAAAVC